The following is an entry in ClinVar:

NM_139027.6(ADAMTS13):c.34C>T (p.Pro12Ser)

Gene: ADAMTS13 (ADAM metallopeptidase with thrombospondin type 1 motif 13; plus strand). Cytogenetic location: 9q34.2.
Variant type: single nucleotide variant.
Coding change: c.34C>T on transcript NM_139027.6 (MANE Select); coding-DNA position 34, C replaced by T.
Protein change: p.Pro12Ser; replaces proline 12 with serine.
Molecular consequence: missense variant.
Genome position (GRCh38, 1-based): chr9:133,422,477, C>T. VCF-style: chr9-133422477-C-T. GRCh37 (hg19) VCF-style: chr9-136287597-C-T.
Other names: c.34C>T, p.Pro12Ser (NM_139025.5, NM_139026.6); short protein forms P12S.
Identifiers: ClinVar variation 1928741 (VCV001928741.2), dbSNP rs1446552024, ClinGen allele CA375706670.

ClinVar aggregate classification (germline): Uncertain significance (1 of 4 stars; one submission).

Allele frequency attached by ClinVar (database versions not stated): TOPMed below 0.00001.
gnomAD v4.1: 1 of 1,614,098 alleles (0.000062%); highest among the groups gnomAD compares: Admixed American, 0.0017%; no homozygotes.

Submission:

Labcorp Genetics (formerly Invitae), Labcorp
Classification: Uncertain significance. Last evaluated: 2022-03-15. Review status: criteria provided, single submitter. Criteria: Invitae Variant Classification Sherloc (09022015). Collection method: clinical testing. Allele origin: germline.
Comment: This sequence change replaces proline, which is neutral and non-polar, with serine, which is neutral and polar, at codon 12 of the ADAMTS13 protein (p.Pro12Ser). This variant is not present in population databases (gnomAD no frequency). This variant has not been reported in the literature in individuals affected with ADAMTS13-related conditions. Algorithms developed to predict the effect of missense changes on protein structure and function output the following: SIFT: "Tolerated"; PolyPhen-2: "Benign"; Align-GVGD: "Class C0". The serine amino acid residue is found in multiple mammalian species, which suggests that this missense change does not adversely affect protein function. In summary, the available evidence is currently insufficient to determine the role of this variant in disease. Therefore, it has been classified as a Variant of Uncertain Significance.